The following is an entry in ClinVar:

ClinVar aggregate classification (germline): Uncertain significance (1 of 4 stars; one submission).

Conditions:
Hereditary cancer-predisposing syndrome. Also called: Hereditary Cancer Syndrome; Neoplastic Syndromes, Hereditary; Tumor predisposition; Hereditary neoplastic syndrome. Identifiers: Orphanet 140162, MedGen C0027672, MeSH D009386, MONDO:0015356.

Submission:

Ambry Genetics
Classification: Uncertain significance for Hereditary cancer-predisposing syndrome. Last evaluated: 2026-07-11. Review status: criteria provided, single submitter. Criteria: Ambry Variant Classification Scheme 2023. Collection method: clinical testing. Allele origin: germline.
Comment: The p.A1200E variant (also known as c.3599C>A), located in coding exon 23 of the ALK gene, results from a C to A substitution at nucleotide position 3599. The alanine at codon 1200 is replaced by glutamic acid, an amino acid with dissimilar properties. This amino acid position is conserved. In addition, the in silico prediction for this alteration is inconclusive. Based on the available evidence, the clinical significance of this variant remains unclear.

NM_004304.5(ALK):c.3599C>A (p.Ala1200Glu)

Gene: ALK (ALK receptor tyrosine kinase; minus strand). Cytogenetic location: 2p23.2.
Variant type: single nucleotide variant.
Coding change: c.3599C>A on transcript NM_004304.5 (MANE Select); coding-DNA position 3599, C replaced by A.
Protein change: p.Ala1200Glu; replaces alanine 1200 with glutamic acid.
Molecular consequence: missense variant.
Genome position (GRCh38, 1-based): chr2:29,220,752, G>T on the plus strand (C>A on the coding strand, the complement: ALK is on the minus strand). VCF-style: chr2-29220752-G-T. GRCh37 (hg19) VCF-style: chr2-29443618-G-T.
Other names: c.395C>A, p.Ala132Glu (NM_001353765.2); short protein forms A1200E, A132E.
Identifiers: ClinVar variation 5035220 (VCV005035220.1).